The following is an entry in ClinVar:

ClinVar aggregate classification (germline): Likely benign (1 of 4 stars; one submission).

Allele frequency attached by ClinVar (database versions not stated): gnomAD exomes 0.00001; gnomAD 0.00002; TOPMed 0.00002.
gnomAD v4.1: 17 of 1,594,036 alleles (0.0011%); highest among the groups gnomAD compares: Admixed American, 0.0017%; no homozygotes.

Submission:

CeGaT Center for Human Genetics Tuebingen
Classification: Likely benign. Last evaluated: 2023-11-01. Review status: criteria provided, single submitter. Criteria: CeGaT Center For Human Genetics Tuebingen Variant Classification Criteria Version 2. Collection method: clinical testing. Allele origin: germline. Affected: yes. Observed: 1 variant allele.
Comment: CACNA1G: BP4, BP7

NM_018896.5(CACNA1G):c.156G>A (p.Pro52=)

Genes: CACNA1G (calcium voltage-gated channel subunit alpha1 G; plus strand), CACNA1G-AS1 (CACNA1G antisense RNA 1; minus strand). Cytogenetic location: 17q21.33.
Variant type: single nucleotide variant.
Coding change: c.156G>A on transcript NM_018896.5 (MANE Select); coding-DNA position 156, G replaced by A.
Protein change: p.Pro52=; no amino-acid change (proline 52 retained).
Molecular consequence: synonymous variant. On other transcripts: non-coding transcript variant (5).
Genome position (GRCh38, 1-based): chr17:50,561,615, G>A. VCF-style: chr17-50561615-G-A. GRCh37 (hg19) VCF-style: chr17-48638976-G-A.
Other names: c.156G>A, p.Pro52= (NM_001256324.2, NM_001256325.2, NM_001256326.2 and 24 more transcripts).
Identifiers: ClinVar variation 2672700 (VCV002672700.23), dbSNP rs1250700627, ClinGen allele CA500998316.
Genomic context (GRCh38, chr17:50,561,615, plus strand): 5'-GGGGCCGGGGTCAGCAGAAAAGGACCCGGGCAGCGCGGACTCCGAGGCGGAGGGGCTGCC[G>A]TACCCGGCGCTGGCCCCGGTGGTTTTCTTCTACTTGAGCCAGGACAGCCGCCCGCGGAGC-3'
Protein context (NP_061496.2, residues 42-62): GSADSEAEGL[Pro52=]YPALAPVVFF